The following is an entry in ClinVar:

NM_004006.3(DMD):c.293A>G (p.Asp98Gly)

Gene: DMD (dystrophin; minus strand). Cytogenetic location: Xp21.1.
Variant type: single nucleotide variant.
Coding change: c.293A>G on transcript NM_004006.3 (MANE Select); coding-DNA position 293, A replaced by G.
Protein change: p.Asp98Gly; replaces aspartic acid 98 with glycine.
Molecular consequence: missense variant. On other transcripts: 5 prime UTR variant (1).
Genome position (GRCh38, 1-based): chrX:32,823,359, T>C on the plus strand (A>G on the coding strand, the complement: DMD is on the minus strand). VCF-style: chrX-32823359-T-C. GRCh37 (hg19) VCF-style: chrX-32841476-T-C.
Other names: c.269A>G, p.Asp90Gly (NM_000109.4); c.281A>G, p.Asp94Gly (NM_004009.3); c.-77A>G (NM_004010.3); c.293A>G (NM_004006.2); short protein forms D98G, D90G, D94G.
Identifiers: ClinVar variation 1421237 (VCV001421237.4), dbSNP rs772375271, ClinGen allele CA10380190.
Genomic context (GRCh38, chrX:32,823,359, plus strand): 5'-CAGTGGAGGATTATATTCCAAATCAAACCAAGAGTCAGTTTATGATTTCCATCTACGATG[T>C]CAGTACTTCCAATATTCACTAAATCAACCTGTTAAAGAAAGGGGTAAAACATTTGAAGGT-3'
Protein context (NP_003997.2, residues 88-108): NVDLVNIGST[Asp98Gly]IVDGNHKLTL

ClinVar aggregate classification (germline): Uncertain significance. Review status: criteria provided, multiple submitters, no conflicts (2 of 4 stars). 2 submissions from 2 submitters: Uncertain significance (2). Last evaluated 2024-04-23.

Conditions:
Duchenne muscular dystrophy (DMD). Also called: MUSCULAR DYSTROPHY, PSEUDOHYPERTROPHIC PROGRESSIVE, DUCHENNE TYPE; Duchenne Muscular Dystrophy (DMD). Identifiers: Orphanet 98896, MedGen C0013264, MONDO:0010679, OMIM 310200.

Allele frequency attached by ClinVar (database versions not stated): gnomAD exomes below 0.00001 and 0.00001; ExAC 0.00001; TOPMed 0.00001.

Submissions (2):

Revvity Omics, Revvity
Classification: Uncertain significance. Last evaluated: 2024-04-23. Review status: criteria provided, single submitter. Criteria: ACMG Guidelines, 2015. Collection method: clinical testing. Allele origin: germline.

Labcorp Genetics (formerly Invitae), Labcorp
Classification: Uncertain significance for Duchenne muscular dystrophy. Last evaluated: 2022-08-23. Review status: criteria provided, single submitter. Criteria: Invitae Variant Classification Sherloc (09022015). Collection method: clinical testing. Allele origin: germline.
Comment: This sequence change replaces aspartic acid, which is acidic and polar, with glycine, which is neutral and non-polar, at codon 98 of the DMD protein (p.Asp98Gly). This variant is present in population databases (rs772375271, gnomAD 0.02%), including at least one homozygous and/or hemizygous individual. This variant has not been reported in the literature in individuals affected with DMD-related conditions. ClinVar contains an entry for this variant (Variation ID: 1421237). Algorithms developed to predict the effect of missense changes on protein structure and function (SIFT, PolyPhen-2, Align-GVGD) all suggest that this variant is likely to be disruptive. In summary, the available evidence is currently insufficient to determine the role of this variant in disease. Therefore, it has been classified as a Variant of Uncertain Significance.